The following is an entry in ClinVar:

ClinVar aggregate classification (germline): Pathogenic (1 of 4 stars; one submission).

Conditions:
Marfan Syndrome/Loeys-Dietz Syndrome/Familial Thoracic Aortic Aneurysms and Dissections. Identifiers: MedGen CN229799.

Submission:

Women's Health and Genetics/Laboratory Corporation of America, LabCorp
Classification: Pathogenic for Marfan Syndrome/Loeys-Dietz Syndrome/Familial Thoracic Aortic Aneurysms and Dissections. Last evaluated: 2026-04-02. Review status: criteria provided, single submitter. Criteria: LabCorp Variant Classification Summary - May 2015. Collection method: clinical testing. Allele origin: germline.
Comment: Variant summary: FBN1 c.6250_6251insCA (p.Cys2084SerfsX5) results in a premature termination codon, predicted to cause a truncation of the encoded protein or absence of the protein due to nonsense mediated decay, which are commonly known mechanisms for disease. The variant was absent in 251022 control chromosomes. To our knowledge, no occurrence of c.6250_6251insCA in individuals affected with FBN1-related conditions and no experimental evidence demonstrating its impact on protein function have been reported. No submitters have cited clinical-significance assessments for this variant to ClinVar. Based on the evidence outlined above, the variant was classified as pathogenic.

NM_000138.5(FBN1):c.6250_6251insCA (p.Cys2084fs)

Gene: FBN1 (fibrillin 1; minus strand). Cytogenetic location: 15q21.1.
Variant type: Insertion.
Coding change: c.6250_6251insCA on transcript NM_000138.5 (MANE Select); coding-DNA positions 6250 to 6251, CA inserted.
Protein change: p.Cys2084fs; shifts the reading frame from cysteine 2084.
Molecular consequence: frameshift variant.
Genome position: GRCh38 VCF-style: chr15-48437830-C-CTG. GRCh37 (hg19) VCF-style: chr15-48730027-C-CTG.
Other names: c.6250_6251insCA, p.Cys2084fs (NM_001406716.1); short protein forms C2084fs.
Identifiers: ClinVar variation 4848943 (VCV004848943.1).